The following is an entry in ClinVar:

NM_004408.4(DNM1):c.1558-8C>T

Gene: DNM1 (dynamin 1; plus strand). Cytogenetic location: 9q34.11.
Variant type: single nucleotide variant.
Coding change: c.1558-8C>T on transcript NM_004408.4 (MANE Select); 8 bases into the intron before coding-DNA position 1558, C replaced by T.
Molecular consequence: intron variant.
Genome position (GRCh38, 1-based): chr9:128,242,224, C>T. VCF-style: chr9-128242224-C-T. GRCh37 (hg19) VCF-style: chr9-131004503-C-T.
Other names: c.1558-8C>T (NM_001005336.3, NM_001374269.1, NM_001288738.2 and 2 more transcripts).
Identifiers: ClinVar variation 4681874 (VCV004681874.5).

ClinVar aggregate classification (germline): Uncertain significance (1 of 4 stars; one submission).

Submission:

CeGaT Center for Human Genetics Tuebingen
Classification: Uncertain significance. Last evaluated: 2025-12-01. Review status: criteria provided, single submitter. Criteria: CeGaT Center For Human Genetics Tuebingen Variant Classification Criteria Version 2. Collection method: clinical testing. Allele origin: germline. Affected: yes. Observed: 1 variant allele.
Comment: DNM1: PM2, BP4